The following is an entry in ClinVar:

NM_002519.3(NPAT):c.2741G>C (p.Ser914Thr)

Gene: NPAT (nuclear protein, coactivator of histone transcription; minus strand). Cytogenetic location: 11q22.3.
Variant type: single nucleotide variant.
Coding change: c.2741G>C on transcript NM_002519.3 (MANE Select); coding-DNA position 2741, G replaced by C.
Protein change: p.Ser914Thr; replaces serine 914 with threonine.
Molecular consequence: missense variant.
Genome position (GRCh38, 1-based): chr11:108,172,243, C>G on the plus strand (G>C on the coding strand, the complement: NPAT is on the minus strand). VCF-style: chr11-108172243-C-G. GRCh37 (hg19) VCF-style: chr11-108042970-C-G.
Other names: c.2741G>C, p.Ser914Thr (NM_001321307.1); short protein forms S914T.
Identifiers: ClinVar variation 2587652 (VCV002587652.2), dbSNP rs2496716160, ClinGen allele CA382512336.

ClinVar aggregate classification (germline): Uncertain significance (1 of 4 stars; one submission).

Allele frequency attached by ClinVar (database versions not stated): gnomAD exomes below 0.00001.

Submission:

Ambry Genetics
Classification: Uncertain significance. Last evaluated: 2023-06-24. Review status: criteria provided, single submitter. Criteria: Ambry Variant Classification Scheme 2023. Collection method: clinical testing. Allele origin: germline.
Comment: The p.S914T variant (also known as c.2741G>C), located in coding exon 13 of the NPAT gene, results from a G to C substitution at nucleotide position 2741. The serine at codon 914 is replaced by threonine, an amino acid with similar properties. This amino acid position is conserved. In addition, this alteration is predicted to be tolerated by in silico analysis. Since supporting evidence is limited at this time, the clinical significance of this alteration remains unclear.